The following is an entry in ClinVar:

ClinVar aggregate classification (germline): Uncertain significance. Review status: criteria provided, multiple submitters, no conflicts (2 of 4 stars). 3 submissions from 3 submitters: Uncertain significance (3). Last evaluated 2025-08-25.

Conditions:
Hereditary cancer-predisposing syndrome. Also called: Tumor predisposition; Hereditary Cancer Syndrome; Hereditary neoplastic syndrome; Neoplastic Syndromes, Hereditary. Identifiers: Orphanet 140162, MedGen C0027672, MeSH D009386, MONDO:0015356.
Familial adenomatous polyposis 1 (FAP1). Also called: FAMILIAL ADENOMATOUS POLYPOSIS 1, ATTENUATED; POLYPOSIS, ADENOMATOUS INTESTINAL. Identifiers: MedGen C2713442, MONDO:0021056, OMIM 175100. Disease mechanism: loss of function.

Submissions (3):

Color Diagnostics, LLC DBA Color Health
Classification: Uncertain significance for Hereditary cancer-predisposing syndrome. Last evaluated: 2025-08-25. Review status: criteria provided, single submitter. Criteria: ACMG Guidelines, 2015. Collection method: clinical testing. Allele origin: germline.
Comment: This missense variant replaces histidine with arginine at codon 1232 of the APC protein. Computational prediction suggests that this variant may not impact protein structure and function. To our knowledge, functional studies have not been reported for this variant. This variant has not been reported in individuals affected with APC-related disorders in the literature. This variant has not been identified in the general population by the Genome Aggregation Database (gnomAD). The available evidence is insufficient to determine the role of this variant in disease conclusively. Therefore, this variant is classified as a Variant of Uncertain Significance.

Labcorp Genetics (formerly Invitae), Labcorp
Classification: Uncertain significance for Familial adenomatous polyposis 1. Last evaluated: 2022-07-19. Review status: criteria provided, single submitter. Criteria: Invitae Variant Classification Sherloc (09022015). Collection method: clinical testing. Allele origin: germline.
Comment: In summary, the available evidence is currently insufficient to determine the role of this variant in disease. Therefore, it has been classified as a Variant of Uncertain Significance. Algorithms developed to predict the effect of missense changes on protein structure and function (SIFT, PolyPhen-2, Align-GVGD) all suggest that this variant is likely to be tolerated. ClinVar contains an entry for this variant (Variation ID: 487048). This variant has not been reported in the literature in individuals affected with APC-related conditions. This variant is not present in population databases (gnomAD no frequency). This sequence change replaces histidine, which is basic and polar, with arginine, which is basic and polar, at codon 1232 of the APC protein (p.His1232Arg).

Ambry Genetics
Classification: Uncertain significance for Hereditary cancer-predisposing syndrome. Last evaluated: 2017-01-26. Review status: criteria provided, single submitter. Criteria: Ambry Variant Classification Scheme 2023. Collection method: clinical testing. Allele origin: germline.
Comment: The p.H1232R variant (also known as c.3695A>G), located in coding exon 15 of the APC gene, results from an A to G substitution at nucleotide position 3695. The histidine at codon 1232 is replaced by arginine, an amino acid with highly similar properties. This amino acid position is well conserved in available vertebrate species. In addition, in silico predictors for this gene do not accurately predict pathogenicity. Since supporting evidence is limited at this time, the clinical significance of this alteration remains unclear.

NM_000038.6(APC):c.3695A>G (p.His1232Arg)

Gene: APC (APC regulator of Wnt signaling pathway; plus strand). Cytogenetic location: 5q22.2.
Variant type: single nucleotide variant.
Coding change: c.3695A>G on transcript NM_000038.6 (MANE Select); coding-DNA position 3695, A replaced by G.
Protein change: p.His1232Arg; replaces histidine 1232 with arginine.
Molecular consequence: missense variant.
Genome position (GRCh38, 1-based): chr5:112,839,289, A>G. VCF-style: chr5-112839289-A-G. GRCh37 (hg19) VCF-style: chr5-112174986-A-G.
Other names: c.3695A>G, p.His1232Arg (NM_001127510.3, NM_001354895.2); c.3641A>G, p.His1214Arg (NM_001127511.3); c.3749A>G, p.His1250Arg (NM_001354896.2); c.3725A>G, p.His1242Arg (NM_001354897.2); c.3620A>G, p.His1207Arg (NM_001354898.2); c.3611A>G, p.His1204Arg (NM_001354899.2); c.3572A>G, p.His1191Arg (NM_001354900.2); c.3518A>G, p.His1173Arg (NM_001354901.2); and 5 more; short protein forms H1214R, H1232R, H949R, H1072R, H1173R, H1250R, H1106R, H1141R.
Identifiers: ClinVar variation 487048 (VCV000487048.13), dbSNP rs1554085236, ClinGen allele CA16029442.